The following is an entry in ClinVar:

ClinVar aggregate classification (germline): Likely benign (1 of 4 stars; one submission).

Allele frequency attached by ClinVar (database versions not stated): 1000 Genomes Project 30x 0.00031; 1000 Genomes Project 0.00040; ExAC 0.00062; TOPMed 0.00087; gnomAD 0.00088; ESP Exome Variant Server 0.00116.

Submission:

CeGaT Center for Human Genetics Tuebingen
Classification: Likely benign. Last evaluated: 2025-06-01. Review status: criteria provided, single submitter. Criteria: CeGaT Center For Human Genetics Tuebingen Variant Classification Criteria Version 2. Collection method: clinical testing. Allele origin: germline. Affected: yes. Observed: 2 variant alleles.
Comment: DRD4: BP4, BP7

NM_000797.4(DRD4):c.994A>C (p.Arg332=)

Gene: DRD4 (dopamine receptor D4; plus strand). Cytogenetic location: 11p15.5.
Variant type: single nucleotide variant.
Coding change: c.994A>C on transcript NM_000797.4 (MANE Select); coding-DNA position 994, A replaced by C.
Protein change: p.Arg332=; no amino-acid change (arginine 332 retained).
Molecular consequence: synonymous variant.
Genome position (GRCh38, 1-based): chr11:640,243, A>C. VCF-style: chr11-640243-A-C. GRCh37 (hg19) VCF-style: chr11-640243-A-C.
Identifiers: ClinVar variation 2641085 (VCV002641085.24), dbSNP rs372805272, ClinGen allele CA5785887.